The following is an entry in ClinVar:

ClinVar aggregate classification (germline): Uncertain significance (1 of 4 stars; one submission).

Conditions:
Epidermolysis bullosa simplex 5C, with pyloric atresia (EBS5C). Also called: PLEC-Related Epidermolysis Bullosa with Pyloric Atresia; Epidermolysis bullosa simplex with pyloric atresia; PLEC1-Related Epidermolysis Bullosa with Pyloric Atresia. Identifiers: Orphanet 158684, MedGen C2677349, MONDO:0012807, OMIM 612138.
Epidermolysis bullosa simplex 5B, with muscular dystrophy (EBS5B). Also called: EPIDERMOLYSIS BULLOSA SIMPLEX AND LIMB-GIRDLE MUSCULAR DYSTROPHY; Epidermolysis bullosa simplex with muscular dystrophy. Identifiers: Orphanet 257, MedGen C2931072, MONDO:0009181, OMIM 226670.
Autosomal recessive limb-girdle muscular dystrophy type 2Q (LGMDR17). Also called: MUSCULAR DYSTROPHY, LIMB-GIRDLE, AUTOSOMAL RECESSIVE 17. Identifiers: Orphanet 254361, MedGen C3150989, MONDO:0013390, OMIM 613723.
Epidermolysis bullosa simplex with nail dystrophy (EBS5D). Identifiers: MedGen C4225309, MONDO:0014661, OMIM 616487.
Epidermolysis bullosa simplex, Ogna type (EBS5A). Also called: Pidermolysis bullosa simplex 5A, Ogna type; EPIDERMOLYSIS BULLOSA SIMPLEX 5A, OGNA TYPE. Identifiers: Orphanet 79401, MedGen C0432317, MONDO:0007555, OMIM 131950.

Allele frequency attached by ClinVar (database versions not stated): gnomAD 0.00001 and 0.00002; gnomAD exomes 0.00001; ExAC 0.00002; 1000 Genomes Project 0.00020; 1000 Genomes Project 30x 0.00031.
gnomAD v4.1: 12 of 1,613,462 alleles (0.00074%); highest among the groups gnomAD compares: East Asian, 0.0022%; no homozygotes.

Submission:

Labcorp Genetics (formerly Invitae), Labcorp
Classification: Uncertain significance for Autosomal recessive limb-girdle muscular dystrophy type 2Q; Epidermolysis bullosa simplex, Ogna type; Epidermolysis bullosa simplex with nail dystrophy; Epidermolysis bullosa simplex 5C, with pyloric atresia; Epidermolysis bullosa simplex 5B, with muscular dystrophy. Last evaluated: 2022-03-18. Review status: criteria provided, single submitter. Criteria: Invitae Variant Classification Sherloc (09022015). Collection method: clinical testing. Allele origin: germline.
Comment: This sequence change replaces glutamic acid, which is acidic and polar, with lysine, which is basic and polar, at codon 4035 of the PLEC protein (p.Glu4035Lys). This variant is present in population databases (rs541833704, gnomAD 0.004%). This variant has not been reported in the literature in individuals affected with PLEC-related conditions. ClinVar contains an entry for this variant (Variation ID: 639953). Algorithms developed to predict the effect of missense changes on protein structure and function (SIFT, PolyPhen-2, Align-GVGD) all suggest that this variant is likely to be disruptive. In summary, the available evidence is currently insufficient to determine the role of this variant in disease. Therefore, it has been classified as a Variant of Uncertain Significance.

NM_201384.3(PLEC):c.12022G>A (p.Glu4008Lys)

Gene: PLEC (plectin; minus strand). Cytogenetic location: 8q24.3.
Variant type: single nucleotide variant.
Coding change: c.12022G>A on transcript NM_201384.3 (MANE Select); coding-DNA position 12022, G replaced by A.
Protein change: p.Glu4008Lys; replaces glutamic acid 4008 with lysine.
Molecular consequence: missense variant.
Genome position (GRCh38, 1-based): chr8:143,917,799, C>T on the plus strand (G>A on the coding strand, the complement: PLEC is on the minus strand). VCF-style: chr8-143917799-C-T. GRCh37 (hg19) VCF-style: chr8-144991967-C-T.
Other names: c.12103G>A, p.Glu4035Lys (NM_000445.5); c.11980G>A, p.Glu3994Lys (NM_201378.4); c.11956G>A, p.Glu3986Lys (NM_201379.3); c.12433G>A, p.Glu4145Lys (NM_201380.4); c.11926G>A, p.Glu3976Lys (NM_201381.3); c.12022G>A, p.Glu4008Lys (NM_201382.4); c.12034G>A, p.Glu4012Lys (NM_201383.3); short protein forms E3976K, E4008K, E4035K, E3986K, E4145K, E3994K, E4012K.
Identifiers: ClinVar variation 639953 (VCV000639953.12), dbSNP rs541833704, ClinGen allele CA4924194.
Genomic context (GRCh38, chr8:143,917,799, plus strand): 5'-CCTGGAAGAGGGAGATGAGCTTCCCAGAGTAGGGGTCCTTGTACCCAGTGACGGCGCGCT[C>T]GGCCGACAGCAGCTTGTCCTTGAACTCGGGGCCCACAATGCCCATACGCACAGCCTCCTC-3'
Protein context (NP_958786.1, residues 3998-4018): PEFKDKLLSA[Glu4008Lys]RAVTGYKDPY